The following is an entry in ClinVar:

ClinVar aggregate classification (germline): Pathogenic (1 of 4 stars; one submission).

Submission:

Labcorp Genetics (formerly Invitae), Labcorp
Classification: Pathogenic. Last evaluated: 2023-09-04. Review status: criteria provided, single submitter. Criteria: Invitae Variant Classification Sherloc (09022015). Collection method: clinical testing. Allele origin: germline.
Comment: For these reasons, this variant has been classified as Pathogenic. Algorithms developed to predict the effect of sequence changes on RNA splicing suggest that this variant may disrupt the consensus splice site. This variant has not been reported in the literature in individuals affected with TMC1-related conditions. This variant is not present in population databases (gnomAD no frequency). This sequence change creates a premature translational stop signal (p.Lys121Argfs*7) in the TMC1 gene. It is expected to result in an absent or disrupted protein product. Loss-of-function variants in TMC1 are known to be pathogenic (PMID: 11850618, 22105175).

Literature cited by the submitters: PubMed 11850618; PubMed 22105175.

NM_138691.3(TMC1):c.360del (p.Lys121fs)

Gene: TMC1 (transmembrane channel like 1; plus strand). Cytogenetic location: 9q21.13.
Variant type: Deletion.
Coding change: c.360del on transcript NM_138691.3 (MANE Select); coding-DNA position 360, one base deleted (C; older notation c.360delC).
Protein change: p.Lys121fs; shifts the reading frame from lysine 121.
Molecular consequence: frameshift variant.
Genome position (GRCh38, 1-based): chr9:72,700,641, C deleted. VCF-style (leftmost placement, unchanged base first): chr9-72700640-TC-T. GRCh37 (hg19) VCF-style: chr9-75315556-TC-T.
Other names: short protein forms K121fs.
Identifiers: ClinVar variation 2758021 (VCV002758021.3), dbSNP rs2489719475, ClinGen allele CA2697557822.